The following is an entry in ClinVar:

NM_001376.5(DYNC1H1):c.13782G>A (p.Lys4594=)

Gene: DYNC1H1 (dynein cytoplasmic 1 heavy chain 1; plus strand). Cytogenetic location: 14q32.31.
Variant type: single nucleotide variant.
Coding change: c.13782G>A on transcript NM_001376.5 (MANE Select); coding-DNA position 13782, G replaced by A.
Protein change: p.Lys4594=; no amino-acid change (lysine 4594 retained).
Molecular consequence: synonymous variant.
Genome position (GRCh38, 1-based): chr14:102,050,168, G>A. VCF-style: chr14-102050168-G-A. GRCh37 (hg19) VCF-style: chr14-102516505-G-A.
Identifiers: ClinVar variation 539824 (VCV000539824.20), dbSNP rs147580834, ClinGen allele CA7354354.

ClinVar aggregate classification (germline): Conflicting classifications of pathogenicity. Review status: criteria provided, conflicting classifications (1 of 4 stars). 5 submissions from 4 submitters: Uncertain significance (1); Likely benign (3). 1 of the submissions does not count toward it. Last evaluated 2025-10-23.

Conditions:
Charcot-Marie-Tooth disease axonal type 2O. Also called: CHARCOT-MARIE-TOOTH NEUROPATHY, AXONAL, TYPE 2O; CHARCOT-MARIE-TOOTH DISEASE, AXONAL, AUTOSOMAL DOMINANT, TYPE 2O; Charcot-Marie-Tooth Neuropathy Type 2O; Charcot-Marie-Tooth disease, axonal, type 20. Identifiers: Orphanet 284232, MedGen C3280220, MONDO:0013644, OMIM 614228.
Autosomal dominant cerebellar ataxia. Also called: Spinocerebellar Ataxia, Dominant. Identifiers: Orphanet 99, MedGen C4087347, MONDO:0020380.
DYNC1H1-related disorder. Also called: DYNC1H1-related condition; DYNC1H1-related disorders. Identifiers: MedGen CN381529.

Allele frequency attached by ClinVar (database versions not stated): gnomAD exomes 0.00008 and 0.00014; TOPMed 0.00008; gnomAD 0.00009; ExAC 0.00013; ESP Exome Variant Server 0.00023.
gnomAD v4.1: 132 of 1,613,994 alleles (0.0082%); highest among the groups gnomAD compares: Admixed American, 0.0033%; no homozygotes.

Submissions (5):

Labcorp Genetics (formerly Invitae), Labcorp
Classification: Likely benign for Charcot-Marie-Tooth disease axonal type 2O. Last evaluated: 2025-10-23. Review status: criteria provided, single submitter. Criteria: Invitae Variant Classification Sherloc (09022015). Collection method: clinical testing. Allele origin: germline.

GeneDx
Classification: Likely benign. Last evaluated: 2021-03-25. Review status: criteria provided, single submitter. Criteria: GeneDx Variant Classification Process June 2021. Collection method: clinical testing. Allele origin: germline. Affected: yes.

Illumina Laboratory Services, Illumina
Classification: Uncertain significance for Charcot-Marie-Tooth disease axonal type 2O. Last evaluated: 2018-01-13. Review status: criteria provided, single submitter. Criteria: ICSL Variant Classification Criteria 13 December 2019. Collection method: clinical testing. Allele origin: germline.

Illumina Laboratory Services, Illumina
Classification: Likely benign for Spinocerebellar Ataxia, Dominant. Last evaluated: 2018-01-13. Review status: criteria provided, single submitter. Criteria: ICSL Variant Classification Criteria 13 December 2019. Collection method: clinical testing. Allele origin: germline.
Comment: This variant was observed in the ICSL laboratory as part of a predisposition screen in an ostensibly healthy population. It had not been previously curated by ICSL or reported in the Human Gene Mutation Database (HGMD: prior to June 1st, 2018), and was therefore a candidate for classification through an automated scoring system. Utilizing variant allele frequency, disease prevalence and penetrance estimates, and inheritance mode, an automated score was calculated to assess if this variant is too frequent to cause the disease. Based on the score and internal cut-off values, a variant classified as likely benign is not then subjected to further curation. The score for this variant resulted in a classification of likely benign for this disease.

PreventionGenetics, part of Exact Sciences
Classification: Likely benign for DYNC1H1-related condition. Last evaluated: 2024-01-08. Review status: no assertion criteria provided. Collection method: clinical testing. Allele origin: germline. Not counted in ClinVar's aggregate classification.
Comment: This variant is classified as likely benign based on ACMG/AMP sequence variant interpretation guidelines (Richards et al. 2015 PMID: 25741868, with internal and published modifications).